The following is an entry in ClinVar:

ClinVar aggregate classification (germline): Likely benign (0 of 4 stars; one submission).

Conditions:
TMEM199-related disorder. Also called: TMEM199-related condition.

Submission:

PreventionGenetics, part of Exact Sciences
Classification: Likely benign for TMEM199-related condition. Last evaluated: 2020-08-19. Review status: no assertion criteria provided. Collection method: clinical testing. Allele origin: germline.
Comment: This variant is classified as likely benign based on ACMG/AMP sequence variant interpretation guidelines (Richards et al. 2015 PMID: 25741868, with internal and published modifications).

NM_152464.3(VMA12):c.211+10A>G

Genes: VMA12 (vacuolar ATPase assembly factor VMA12; plus strand), LOC130060544 (ATAC-STARR-seq lymphoblastoid active region 11924; plus strand). Cytogenetic location: 17q11.2.
Variant type: single nucleotide variant.
Coding change: c.211+10A>G on transcript NM_152464.3 (MANE Select); 10 bases into the intron after coding-DNA position 211, A replaced by G.
Molecular consequence: intron variant.
Genome position (GRCh38, 1-based): chr17:28,357,891, A>G. VCF-style: chr17-28357891-A-G. GRCh37 (hg19) VCF-style: chr17-26684914-A-G.
Identifiers: ClinVar variation 3031931 (VCV003031931.2), dbSNP rs373885630, ClinGen allele CA2740095298.